The following is an entry in ClinVar:

ClinVar aggregate classification (germline): Uncertain significance (1 of 4 stars; one submission).

Allele frequency attached by ClinVar (database versions not stated): gnomAD exomes below 0.00001; ExAC 0.00001.
gnomAD v4.1: 4 of 1,614,228 alleles (0.00025%); highest among the groups gnomAD compares: Admixed American, 0.0033%; no homozygotes.

Submission:

Labcorp Genetics (formerly Invitae), Labcorp
Classification: Uncertain significance. Last evaluated: 2024-01-19. Review status: criteria provided, single submitter. Criteria: Invitae Variant Classification Sherloc (09022015). Collection method: clinical testing. Allele origin: germline.
Comment: This sequence change replaces lysine, which is basic and polar, with arginine, which is basic and polar, at codon 1045 of the REST protein (p.Lys1045Arg). This variant is present in population databases (rs768815266, gnomAD 0.006%). This variant has not been reported in the literature in individuals affected with REST-related conditions. An algorithm developed to predict the effect of missense changes on protein structure and function (PolyPhen-2) suggests that this variant is likely to be disruptive. In summary, the available evidence is currently insufficient to determine the role of this variant in disease. Therefore, it has been classified as a Variant of Uncertain Significance.

NM_005612.5(REST):c.3134A>G (p.Lys1045Arg)

Gene: REST (RE1 silencing transcription factor; plus strand). Cytogenetic location: 4q12.
Variant type: single nucleotide variant.
Coding change: c.3134A>G on transcript NM_005612.5 (MANE Select); coding-DNA position 3134, A replaced by G.
Protein change: p.Lys1045Arg; replaces lysine 1045 with arginine.
Molecular consequence: missense variant.
Genome position (GRCh38, 1-based): chr4:56,931,992, A>G. VCF-style: chr4-56931992-A-G. GRCh37 (hg19) VCF-style: chr4-57798158-A-G.
Other names: c.3134A>G, p.Lys1045Arg (NM_001193508.2, NM_001363453.3); short protein forms K1045R.
Identifiers: ClinVar variation 2880829 (VCV002880829.3), dbSNP rs768815266, ClinGen allele CA2932623.